The following is an entry in ClinVar:

ClinVar aggregate classification (germline): Likely benign (1 of 4 stars; one submission).

Allele frequency attached by ClinVar (database versions not stated): 1000 Genomes Project 0.00180; 1000 Genomes Project 30x 0.00187; TOPMed 0.00244; gnomAD 0.00282; ESP Exome Variant Server 0.00300; ExAC 0.00339; gnomAD exomes 0.00408.
gnomAD v4.1: 6,363 of 1,613,680 alleles (0.39%); highest among the groups gnomAD compares: Non-Finnish European, 0.45%; 41 homozygotes.

Submission:

CeGaT Center for Human Genetics Tuebingen
Classification: Likely benign. Last evaluated: 2026-04-01. Review status: criteria provided, single submitter. Criteria: CeGaT Center For Human Genetics Tuebingen Variant Classification Criteria Version 2. Collection method: clinical testing. Allele origin: germline. Affected: yes. Observed: 12 variant alleles.
Comment: FLG: BP4, BP7, BS2

NM_002016.2(FLG):c.9747C>T (p.His3249=)

Genes: CCDST (cervical cancer associated DHX9 suppressive transcript; plus strand), FLG (filaggrin; minus strand). Cytogenetic location: 1q21.3.
Variant type: single nucleotide variant.
Coding change: c.9747C>T on transcript NM_002016.2 (MANE Select); coding-DNA position 9747, C replaced by T.
Protein change: p.His3249=; no amino-acid change (histidine 3249 retained).
Molecular consequence: synonymous variant.
Genome position (GRCh38, 1-based): chr1:152,305,139, G>A on the plus strand (C>T on the coding strand, the complement: FLG is on the minus strand). VCF-style: chr1-152305139-G-A. GRCh37 (hg19) VCF-style: chr1-152277615-G-A.
Identifiers: ClinVar variation 2639247 (VCV002639247.24), dbSNP rs146017726, ClinGen allele CA1103697.